The following is an entry in ClinVar:

ClinVar aggregate classification (germline): Uncertain significance. Review status: criteria provided, multiple submitters, no conflicts (2 of 4 stars). 6 submissions from 6 submitters: Uncertain significance (6). Last evaluated 2023-02-01.

Conditions:
Inborn genetic diseases. Identifiers: MedGen C0950123, MeSH D030342.
Charcot-Marie-Tooth disease. Also called: Charcot-Marie-Tooth Hereditary Neuropathy; Charcot-Marie-Tooth Neuropathy. Identifiers: Orphanet 166, MedGen C0007959, MONDO:0015626.
Charcot-Marie-Tooth disease type 4. Also called: Charcot-Marie-Tooth, Type 4; Charcot-Marie-Tooth disease, type IV. Identifiers: Orphanet 64749, MedGen C4082197, MONDO:0018995.

Allele frequency attached by ClinVar (database versions not stated): ESP Exome Variant Server 0.00008; gnomAD exomes 0.00010 and 0.00013; ExAC 0.00012; 1000 Genomes Project 30x 0.00016; gnomAD 0.00016 and 0.00017; 1000 Genomes Project 0.00020; TOPMed 0.00020.
gnomAD v4.1: 229 of 1,614,138 alleles (0.014%); highest among the groups gnomAD compares: Non-Finnish European, 0.018%; no homozygotes.

Submissions (6):

Mayo Clinic Laboratories, Mayo Clinic
Classification: Uncertain significance. Last evaluated: 2023-02-01. Review status: criteria provided, single submitter. Criteria: ACMG Guidelines, 2015. Collection method: clinical testing. Allele origin: germline. Observed: 1 variant allele.
Comment: BP4, PM2

Labcorp Genetics (formerly Invitae), Labcorp
Classification: Uncertain significance for Charcot-Marie-Tooth disease type 4. Last evaluated: 2022-10-17. Review status: criteria provided, single submitter. Criteria: Invitae Variant Classification Sherloc (09022015). Collection method: clinical testing. Allele origin: germline.
Comment: This sequence change replaces isoleucine, which is neutral and non-polar, with valine, which is neutral and non-polar, at codon 1043 of the SBF2 protein (p.Ile1043Val). This variant is present in population databases (rs147438385, gnomAD 0.02%). This missense change has been observed in individual(s) with clinical features of Charcot-Marie-Tooth disease (PMID: 32376792). ClinVar contains an entry for this variant (Variation ID: 220646). Algorithms developed to predict the effect of missense changes on protein structure and function (SIFT, PolyPhen-2, Align-GVGD) all suggest that this variant is likely to be tolerated. Algorithms developed to predict the effect of sequence changes on RNA splicing suggest that this variant may create or strengthen a splice site. In summary, the available evidence is currently insufficient to determine the role of this variant in disease. Therefore, it has been classified as a Variant of Uncertain Significance.

Athena Diagnostics
Classification: Uncertain significance. Last evaluated: 2022-08-30. Review status: criteria provided, single submitter. Criteria: Athena Diagnostics Criteria. Collection method: clinical testing. Allele origin: unknown.

Ambry Genetics
Classification: Uncertain significance for Inborn genetic diseases. Last evaluated: 2021-08-27. Review status: criteria provided, single submitter. Criteria: Ambry Variant Classification Scheme 2023. Collection method: clinical testing. Allele origin: germline.
Comment: The p.I1043V variant (also known as c.3127A>G), located in coding exon 25 of the SBF2 gene, results from an A to G substitution at nucleotide position 3127. The isoleucine at codon 1043 is replaced by valine, an amino acid with highly similar properties. This amino acid position is well conserved in available vertebrate species. In addition, the in silico prediction for this alteration is inconclusive. Since supporting evidence is limited at this time, the clinical significance of this alteration remains unclear.

GeneDx
Classification: Uncertain significance. Last evaluated: 2017-09-11. Review status: criteria provided, single submitter. Criteria: GeneDx Variant Classification (06012015). Collection method: clinical testing. Allele origin: germline. Affected: yes.
Comment: A variant of uncertain significance has been identified in the SBF2 gene. The c.3127 A>G variant has not been published as a pathogenic variant, nor has it been reported as a benign variant to our knowledge. The c.3127 A>G variant is observed in 13/66692 (0.02%) alleles from individuals of European background (Lek et al., 2016; 1000 Genomes Consortium et al., 2015; Exome Variant Server). Several in-silico splice prediction models predict that c.3127 A>G creates a cryptic acceptor site for intron 24 which may supplant the natural acceptor site and lead to abnormal gene splicing. However, in the absence of RNA/functional studies, the actual effect of this sequence change in this individual is unknown. If the c.3127 A>G variant does not affect splicing, it will result in the I1043V missense change. The I1043V variant is a conservative amino acid substitution, which is not likely to impact secondary protein structure as these residues share similar properties. This substitution occurs at a position where amino acids with similar properties to Isoleucine are tolerated across species. However, in silico analysis is inconsistent in its predictions as to whether or not the variant is damaging to the protein structure/function. Therefore, based on the currently available information, it is unclear whether this variant is a pathogenic variant or a rare benign variant.

Molecular Genetics Laboratory, London Health Sciences Centre
Classification: Uncertain significance for Charcot-Marie-Tooth disease. Review status: criteria provided, single submitter. Criteria: ACMG Guidelines, 2015. Collection method: clinical testing. Allele origin: germline. Affected: yes.

Literature cited by the submitters: PubMed 32376792 (cited by 3 submitters).

NM_030962.4(SBF2):c.3127A>G (p.Ile1043Val)

Genes: SBF2 (SET binding factor 2; minus strand), LOC101928008 (uncharacterized LOC101928008; plus strand). Cytogenetic location: 11p15.4.
Variant type: single nucleotide variant.
Coding change: c.3127A>G on transcript NM_030962.4 (MANE Select); coding-DNA position 3127, A replaced by G.
Protein change: p.Ile1043Val; replaces isoleucine 1043 with valine.
Molecular consequence: missense variant.
Genome position (GRCh38, 1-based): chr11:9,842,754, T>C on the plus strand (A>G on the coding strand, the complement: SBF2 is on the minus strand). VCF-style: chr11-9842754-T-C. GRCh37 (hg19) VCF-style: chr11-9864301-T-C.
Other names: c.3127A>G, p.Ile1043Val (NM_001386339.1); c.2998A>G, p.Ile1000Val (NM_001386342.1); short protein forms I1043V, I1000V.
Identifiers: ClinVar variation 220646 (VCV000220646.12), dbSNP rs147438385, ClinGen allele CA348773.